The following is an entry in ClinVar:

ClinVar aggregate classification (germline): Conflicting classifications of pathogenicity. Review status: criteria provided, conflicting classifications (1 of 4 stars). 4 submissions from 4 submitters: Uncertain significance (1); Benign (1); Likely benign (1). 1 of the submissions does not count toward it. Last evaluated 2026-01-05.

Conditions:
OXCT1-related disorder. Also called: OXCT1-related condition.
Succinyl-CoA acetoacetate transferase deficiency (SCOTD). Also called: 3-Oxoacid CoA Transferase Deficiency; KETOACIDOSIS DUE TO SCOT DEFICIENCY; SUCCINYL-CoA:3-KETOACID CoA-TRANSFERASE DEFICIENCY; SCOT DEFICIENCY; Succinyl CoA:3-oxoacid CoA transferase deficiency. Identifiers: Orphanet 832, MedGen C0342792, MONDO:0009492, OMIM 245050.

Allele frequency attached by ClinVar (database versions not stated): ExAC 0.00097; gnomAD 0.00298 and 0.00320; ESP Exome Variant Server 0.00308; TOPMed 0.00322; 1000 Genomes Project 0.00459; 1000 Genomes Project 30x 0.00484.
gnomAD v4.1: 876 of 1,612,892 alleles (0.054%); highest among the groups gnomAD compares: African/African-American, 1%; 2 homozygotes.

Submissions (4):

Labcorp Genetics (formerly Invitae), Labcorp
Classification: Benign for Succinyl-CoA acetoacetate transferase deficiency. Last evaluated: 2026-01-05. Review status: criteria provided, single submitter. Criteria: Invitae Variant Classification Sherloc (09022015). Collection method: clinical testing. Allele origin: germline.

Mayo Clinic Laboratories, Mayo Clinic
Classification: Uncertain significance. Last evaluated: 2023-10-18. Review status: criteria provided, single submitter. Criteria: ACMG Guidelines, 2015. Collection method: clinical testing. Allele origin: germline. Observed: 2 variant alleles.
Comment: BS1

ARUP Laboratories, Molecular Genetics and Genomics, ARUP Laboratories
Classification: Likely benign for Succinyl-CoA acetoacetate transferase deficiency. Last evaluated: 2018-07-12. Review status: criteria provided, single submitter. Criteria: ARUP Molecular Germline Variant Investigation Process. Collection method: clinical testing. Allele origin: germline.

PreventionGenetics, part of Exact Sciences
Classification: Benign for OXCT1-related condition. Last evaluated: 2020-05-11. Review status: no assertion criteria provided. Collection method: clinical testing. Allele origin: germline. Not counted in ClinVar's aggregate classification.
Comment: This variant is classified as benign based on ACMG/AMP sequence variant interpretation guidelines (Richards et al. 2015 PMID: 25741868, with internal and published modifications).

NM_000436.4(OXCT1):c.650G>T (p.Arg217Leu)

Gene: OXCT1 (3-oxoacid CoA-transferase 1; minus strand). Cytogenetic location: 5p13.1.
Variant type: single nucleotide variant.
Coding change: c.650G>T on transcript NM_000436.4 (MANE Select); coding-DNA position 650, G replaced by T.
Protein change: p.Arg217Leu; replaces arginine 217 with leucine.
Molecular consequence: missense variant. On other transcripts: non-coding transcript variant (1).
Genome position (GRCh38, 1-based): chr5:41,842,696, C>A on the plus strand (G>T on the coding strand, the complement: OXCT1 is on the minus strand). VCF-style: chr5-41842696-C-A. GRCh37 (hg19) VCF-style: chr5-41842798-C-A.
Other names: p.Arg217Leu; c.671G>T, p.Arg224Leu (NM_001364299.2, NM_001364300.2); c.650G>T, p.Arg217Leu (NM_001364301.2, NM_001364302.2); c.92G>T, p.Arg31Leu (NM_001364303.2); short protein forms R217L, R31L, R224L.
Identifiers: ClinVar variation 714583 (VCV000714583.21), dbSNP rs142383658, ClinGen allele CA3253544.